The following is an entry in ClinVar:

ClinVar aggregate classification (germline): Uncertain significance. Review status: criteria provided, multiple submitters, no conflicts (2 of 4 stars). 2 submissions from 2 submitters: Uncertain significance (2). Last evaluated 2022-05-17.

Submissions (2):

Labcorp Genetics (formerly Invitae), Labcorp
Classification: Uncertain significance. Last evaluated: 2022-05-17. Review status: criteria provided, single submitter. Criteria: Invitae Variant Classification Sherloc (09022015). Collection method: clinical testing. Allele origin: germline.
Comment: In summary, the available evidence is currently insufficient to determine the role of this variant in disease. Therefore, it has been classified as a Variant of Uncertain Significance. Advanced modeling of protein sequence and biophysical properties (such as structural, functional, and spatial information, amino acid conservation, physicochemical variation, residue mobility, and thermodynamic stability) performed at Invitae indicates that this missense variant is not expected to disrupt ADCY5 protein function. ClinVar contains an entry for this variant (Variation ID: 546317). This variant has not been reported in the literature in individuals affected with ADCY5-related conditions. This variant is not present in population databases (gnomAD no frequency). This sequence change replaces lysine, which is basic and polar, with threonine, which is neutral and polar, at codon 220 of the ADCY5 protein (p.Lys220Thr).

GeneDx
Classification: Uncertain significance. Last evaluated: 2018-05-18. Review status: criteria provided, single submitter. Criteria: GeneDx Variant Classification (06012015). Collection method: clinical testing. Allele origin: germline. Affected: yes.
Comment: The K220T variant in the ADCY5 gene has not been reported previously as a pathogenic variant, nor as a benign variant, to our knowledge. The K220T variant is not observed in large population cohorts (Lek et al., 2016). The K220T variant is a semi-conservative amino acid substitution, which may impact secondary protein structure as these residues differ in some properties. In-silico analyses, including protein predictors and evolutionary conservation, support that this variant does not alter protein structure/function. We interpret K220T as a variant of uncertain significance.

NM_183357.3(ADCY5):c.659A>C (p.Lys220Thr)

Gene: ADCY5 (adenylate cyclase 5; minus strand). Cytogenetic location: 3q21.1.
Variant type: single nucleotide variant.
Coding change: c.659A>C on transcript NM_183357.3 (MANE Select); coding-DNA position 659, A replaced by C.
Protein change: p.Lys220Thr; replaces lysine 220 with threonine.
Molecular consequence: missense variant.
Genome position (GRCh38, 1-based): chr3:123,447,887, T>G on the plus strand (A>C on the coding strand, the complement: ADCY5 is on the minus strand). VCF-style: chr3-123447887-T-G. GRCh37 (hg19) VCF-style: chr3-123166734-T-G.
Other names: c.659A>C, p.Lys220Thr (NM_001378259.1); short protein forms K220T.
Identifiers: ClinVar variation 546317 (VCV000546317.9), dbSNP rs1191706599, ClinGen allele CA354357017.